The following is an entry in ClinVar:

NM_138694.4(PKHD1):c.1846_1848delinsT (p.Ala616fs)

Gene: PKHD1 (PKHD1 ciliary IPT domain containing fibrocystin/polyductin; minus strand). Cytogenetic location: 6p12.2.
Variant type: Indel.
Coding change: c.1846_1848delinsT on transcript NM_138694.4 (MANE Select); coding-DNA positions 1846 to 1848, GCA replaced by T.
Protein change: p.Ala616fs; shifts the reading frame from alanine 616.
Molecular consequence: frameshift variant.
Genome position (GRCh38, 1-based): chr6:52,054,154-52,054,156, TGC replaced by A on the plus strand (GCA replaced by T on the coding strand, the reverse complement: PKHD1 is on the minus strand). VCF-style: chr6-52054154-TGC-A. GRCh37 (hg19) VCF-style: chr6-51918952-TGC-A.
Other names: c.1846_1848delinsT, p.Ala616fs (NM_170724.3); short protein forms A616fs.
Identifiers: ClinVar variation 1725519 (VCV001725519.2), dbSNP rs2533290117, ClinGen allele CA2580075593.

ClinVar aggregate classification (germline): Likely pathogenic (1 of 4 stars; one submission).

Conditions:
Polycystic kidney disease 4 (PKD4). Also called: POLYCYSTIC KIDNEY AND HEPATIC DISEASE 1; POLYCYSTIC KIDNEY DISEASE, INFANTILE, TYPE I; POLYCYSTIC KIDNEY DISEASE 4 WITH OR WITHOUT POLYCYSTIC LIVER DISEASE; PKD3; Autosomal Recessive Polycystic Kidney Disease – PKHD1. Identifiers: MedGen C4540575, MONDO:0033004, OMIM 263200.

Submission:

Myriad Genetics, Inc.
Classification: Likely pathogenic for Polycystic kidney disease 4. Last evaluated: 2022-03-29. Review status: criteria provided, single submitter. Criteria: Myriad Women's Health Autosomal Recessive and X-Linked Classification Criteria (2021). Collection method: clinical testing. Allele origin: unknown.
Comment: NM_138694.3(PKHD1):c.1846_1848delGCAinsT(A616Lfs*29) is expected to be pathogenic in the context of autosomal recessive polycystic kidney disease, PKHD1-related. This variant is predicted to lead to an abnormal or absent protein product due to the creation of a premature termination codon in PKHD1, a gene where loss-of-function variants are known to be pathogenic. Please note: this variant was assessed in the context of healthy population screening.